The following is an entry in ClinVar:

NM_003118.4(SPARC):c.901C>G (p.Leu301Val)

Genes: SPARC (secreted protein acidic and cysteine rich; minus strand), LOC126807556 (MED14-independent group 3 enhancer GRCh37_chr5:151042798-151043997; plus strand). Cytogenetic location: 5q33.1.
Variant type: single nucleotide variant.
Coding change: c.901C>G on transcript NM_003118.4 (MANE Select); coding-DNA position 901, C replaced by G.
Protein change: p.Leu301Val; replaces leucine 301 with valine.
Molecular consequence: missense variant.
Genome position (GRCh38, 1-based): chr5:151,663,582, G>C on the plus strand (C>G on the coding strand, the complement: SPARC is on the minus strand). VCF-style: chr5-151663582-G-C. GRCh37 (hg19) VCF-style: chr5-151043143-G-C.
Other names: c.898C>G, p.Leu300Val (NM_001309443.2); c.899C>G, p.Ser300Cys (NM_001309444.2); short protein forms S300C, L300V, L301V.
Identifiers: ClinVar variation 1959323 (VCV001959323.3), dbSNP rs764270465, ClinGen allele CA3522536.

ClinVar aggregate classification (germline): Uncertain significance (1 of 4 stars; one submission).

Allele frequency attached by ClinVar (database versions not stated): gnomAD 0.00001; ExAC 0.00002.

Submission:

Labcorp Genetics (formerly Invitae), Labcorp
Classification: Uncertain significance. Last evaluated: 2022-05-18. Review status: criteria provided, single submitter. Criteria: Invitae Variant Classification Sherloc (09022015). Collection method: clinical testing. Allele origin: germline.
Comment: In summary, the available evidence is currently insufficient to determine the role of this variant in disease. Therefore, it has been classified as a Variant of Uncertain Significance. Algorithms developed to predict the effect of missense changes on protein structure and function (SIFT, PolyPhen-2, Align-GVGD) all suggest that this variant is likely to be tolerated. This variant has not been reported in the literature in individuals affected with SPARC-related conditions. This sequence change replaces leucine, which is neutral and non-polar, with valine, which is neutral and non-polar, at codon 301 of the SPARC protein (p.Leu301Val). This variant is present in population databases (rs764270465, gnomAD 0.003%).